The following is an entry in ClinVar:

NM_032444.4(SLX4):c.4739+6C>T

Gene: SLX4 (SLX4 structure-specific endonuclease subunit; minus strand). Cytogenetic location: 16p13.3.
Variant type: single nucleotide variant.
Coding change: c.4739+6C>T on transcript NM_032444.4 (MANE Select); 6 bases into the intron after coding-DNA position 4739, C replaced by T.
Molecular consequence: intron variant.
Genome position (GRCh38, 1-based): chr16:3,584,763, G>A on the plus strand (C>T on the coding strand, the complement: SLX4 is on the minus strand). VCF-style: chr16-3584763-G-A. GRCh37 (hg19) VCF-style: chr16-3634764-G-A.
Identifiers: ClinVar variation 853621 (VCV000853621.9), dbSNP rs770758859, ClinGen allele CA7865534.

ClinVar aggregate classification (germline): Uncertain significance (1 of 4 stars; one submission).

Conditions:
Fanconi anemia (FA). Also called: Fanconi's anemia. Identifiers: Orphanet 84, MedGen C0015625, MeSH D005199, MONDO:0019391.

Allele frequency attached by ClinVar (database versions not stated): TOPMed below 0.00001; ExAC 0.00001; gnomAD 0.00001; gnomAD exomes 0.00001.
gnomAD v4.1: 13 of 1,608,308 alleles (0.00081%); highest among the groups gnomAD compares: Admixed American, 0.0033%; no homozygotes.

Submission:

Labcorp Genetics (formerly Invitae), Labcorp
Classification: Uncertain significance for Fanconi anemia. Last evaluated: 2026-02-02. Review status: criteria provided, single submitter. Criteria: Invitae Variant Classification Sherloc (09022015). Collection method: clinical testing. Allele origin: germline.
Comment: This sequence change falls in intron 13 of the SLX4 gene. It does not directly change the encoded amino acid sequence of the SLX4 protein. It affects a nucleotide within the consensus splice site. This variant is present in population databases (rs770758859, gnomAD 0.006%). This variant has not been reported in the literature in individuals affected with SLX4-related conditions. ClinVar contains an entry for this variant (Variation ID: 853621). Variants that disrupt the consensus splice site are a relatively common cause of aberrant splicing (PMID: 17576681, 9536098). Algorithms developed to predict the effect of sequence changes on RNA splicing suggest that this variant is not likely to affect RNA splicing. In summary, the available evidence is currently insufficient to determine the role of this variant in disease. Therefore, it has been classified as a Variant of Uncertain Significance.

Literature cited by the submitters: PubMed 17576681; PubMed 9536098.